The following is an entry in ClinVar:

NM_004168.4(SDHA):c.771-21_771-13del

Gene: SDHA (succinate dehydrogenase complex flavoprotein subunit A; plus strand). Cytogenetic location: 5p15.33.
Variant type: Deletion.
Coding change: c.771-21_771-13del on transcript NM_004168.4 (MANE Select); 21 bases into the intron before coding-DNA position 771 through 13 bases into the intron before coding-DNA position 771, 9 bases deleted (ACTGCTCTC; older notation c.771-21_771-13delACTGCTCTC).
Molecular consequence: intron variant.
Genome position (GRCh38, 1-based): chr5:230,855-230,863, ACTGCTCTC deleted; deleting any 9 consecutive bases within chr5:230,853-230,863 gives the same sequence; the c. name uses the placement nearest the transcript's 3' end. VCF-style (leftmost placement, unchanged base first): chr5-230852-GTCACTGCTC-G. GRCh37 (hg19) VCF-style: chr5-230967-GTCACTGCTC-G.
Other names: c.771-21_771-13delACTGCTCTC (NM_004168.2); c.771-21_771-13del (NM_001330758.2); c.627-21_627-13del (NM_001294332.2).
Identifiers: ClinVar variation 1722916 (VCV001722916.6), dbSNP rs1735351200, ClinGen allele CA1521990711.

ClinVar aggregate classification (germline): Uncertain significance. Review status: criteria provided, multiple submitters, no conflicts (2 of 4 stars). 2 submissions from 2 submitters: Uncertain significance (2). Last evaluated 2024-10-31.

Conditions:
Hereditary cancer-predisposing syndrome. Also called: Neoplastic Syndromes, Hereditary; Tumor predisposition; Hereditary neoplastic syndrome; Hereditary Cancer Syndrome. Identifiers: Orphanet 140162, MedGen C0027672, MeSH D009386, MONDO:0015356.

Submissions (2):

Ambry Genetics
Classification: Uncertain significance for Hereditary cancer-predisposing syndrome. Last evaluated: 2024-10-31. Review status: criteria provided, single submitter. Criteria: Ambry Variant Classification Scheme 2023. Collection method: clinical testing. Allele origin: germline.
Comment: The c.771-21_771-13delACTGCTCTC intronic variant, located in intron 6 of the SDHA gene, results from a deletion of 9 nucleotides within intron 6 of the SDHA gene. This deletion has been detected in an individual with a paraganglioma; immunohistochemistry of the tumor showed the absence of SDHA (Ben Aim L et al. J Med Genet, 2019 Aug;56:513-520). RNA studies have demonstrated that this alteration results in an incomplete splice defect; the clinical impact of this abnormal splicing is unknown at this time (Ambry internal data). This nucleotide position is poorly conserved in available vertebrate species. In silico splice site analysis predicts that this alteration will weaken the native splice acceptor site and will result in the creation or strengthening of a novel splice acceptor site. Based on the available evidence, the clinical significance of this variant remains unclear.

GeneDx
Classification: Uncertain significance. Last evaluated: 2022-05-07. Review status: criteria provided, single submitter. Criteria: GeneDx Variant Classification Process June 2021. Collection method: clinical testing. Allele origin: germline. Affected: yes.
Comment: Not observed at significant frequency in large population cohorts (gnomAD); In-silico analysis is inconclusive as to whether the variant alters gene splicing. In the absence of RNA/functional studies, the actual effect of this sequence change is unknown.; This variant is associated with the following publications: (PMID: 30877234)

Literature cited by the submitters: PubMed 30877234 (cited by Ambry Genetics).